The following is an entry in ClinVar:

ClinVar aggregate classification (germline): Benign. Review status: criteria provided, multiple submitters, no conflicts (2 of 4 stars). 11 submissions from 11 submitters: Benign (9). 2 of the submissions do not count toward it. Last evaluated 2026-05-08.

Conditions:
3M syndrome 2. Also called: THREE M SYNDROME 2; 3-M Syndrome, OBSL1-Related. Identifiers: Orphanet 2616, MedGen C2752041, MONDO:0013039, OMIM 612921.

Allele frequency attached by ClinVar (database versions not stated): ESP Exome Variant Server 0.29745; TOPMed 0.34266; 1000 Genomes Project 30x 0.34806; gnomAD 0.35689 and 0.36143; 1000 Genomes Project 0.35883; gnomAD exomes 0.42894 and 0.44106; ExAC 0.44477.
gnomAD v4.1: 652,689 of 1,509,076 alleles (43%); highest among the groups gnomAD compares: East Asian, 50%; 144,815 homozygotes.

Submissions (11):

Women's Health and Genetics/Laboratory Corporation of America, LabCorp
Classification: Benign. Last evaluated: 2026-05-08. Review status: criteria provided, single submitter. Criteria: LabCorp Variant Classification Summary - May 2015. Collection method: clinical testing. Allele origin: germline.

Labcorp Genetics (formerly Invitae), Labcorp
Classification: Benign. Last evaluated: 2026-02-04. Review status: criteria provided, single submitter. Criteria: Invitae Variant Classification Sherloc (09022015). Collection method: clinical testing. Allele origin: germline.

Blueprint Genetics
Classification: Benign. Last evaluated: 2024-11-26. Review status: criteria provided, single submitter. Criteria: ACMG Guidelines, 2015. Collection method: clinical testing. Allele origin: germline.

Fulgent Genetics
Classification: Benign for 3M syndrome 2. Last evaluated: 2022-04-25. Review status: criteria provided, single submitter. Criteria: ACMG Guidelines, 2015. Collection method: clinical testing. Allele origin: unknown.

Genome-Nilou Lab
Classification: Benign for 3M syndrome 2. Last evaluated: 2021-09-05. Review status: criteria provided, single submitter. Criteria: ACMG Guidelines, 2015. Collection method: clinical testing. Allele origin: germline. Affected: no.

GeneDx
Classification: Benign. Last evaluated: 2021-06-09. Review status: criteria provided, single submitter. Criteria: GeneDx Variant Classification Process June 2021. Collection method: clinical testing. Allele origin: germline. Affected: yes.

Illumina Laboratory Services, Illumina
Classification: Benign for 3M syndrome 2. Last evaluated: 2018-01-13. Review status: criteria provided, single submitter. Criteria: ICSL Variant Classification Criteria 13 December 2019. Collection method: clinical testing. Allele origin: germline.
Comment: This variant was observed in the ICSL laboratory as part of a predisposition screen in an ostensibly healthy population. It had not been previously curated by ICSL or reported in the Human Gene Mutation Database (HGMD: prior to June 1st, 2018), and was therefore a candidate for classification through an automated scoring system. Utilizing variant allele frequency, disease prevalence and penetrance estimates, and inheritance mode, an automated score was calculated to assess if this variant is too frequent to cause the disease. Based on the score and internal cut-off values, a variant classified as benign is not then subjected to further curation. The score for this variant resulted in a classification of benign for this disease.

Eurofins Ntd Llc (ga)
Classification: Benign. Last evaluated: 2016-09-01. Review status: criteria provided, single submitter. Criteria: EGL Classification Definitions 2015. Collection method: clinical testing. Allele origin: germline. Observed: 1 variant allele, 1 heterozygote.

Breakthrough Genomics
Classification: Benign. Review status: criteria provided, single submitter. Criteria: ACMG Guidelines, 2015. Collection method: not provided. Allele origin: germline. Inheritance: Autosomal recessive inheritance. Affected: yes.

Diagnostic Laboratory, Department of Genetics, University Medical Center Groningen
Classification: Benign. Review status: no assertion criteria provided. Collection method: clinical testing. Allele origin: germline. Affected: yes. Study: VKGL Data-share Consensus. Not counted in ClinVar's aggregate classification.

Joint Genome Diagnostic Labs from Nijmegen and Maastricht, Radboudumc and MUMC+
Classification: Benign. Review status: no assertion criteria provided. Collection method: clinical testing. Allele origin: germline. Affected: yes. Study: VKGL Data-share Consensus. Not counted in ClinVar's aggregate classification.

NM_015311.3(OBSL1):c.580C>T (p.Leu194=)

Gene: OBSL1 (obscurin like cytoskeletal adaptor 1; minus strand). Cytogenetic location: 2q35.
Variant type: single nucleotide variant.
Coding change: c.580C>T on transcript NM_015311.3 (MANE Select); coding-DNA position 580, C replaced by T.
Protein change: p.Leu194=; no amino-acid change (leucine 194 retained).
Molecular consequence: synonymous variant.
Genome position (GRCh38, 1-based): chr2:219,570,653, G>A on the plus strand (C>T on the coding strand, the complement: OBSL1 is on the minus strand). VCF-style: chr2-219570653-G-A. GRCh37 (hg19) VCF-style: chr2-220435375-G-A.
Other names: c.580C>T, p.Leu194= (NM_001173408.2, NM_001173431.2).
Identifiers: ClinVar variation 290129 (VCV000290129.28), dbSNP rs1061399, ClinGen allele CA2131777.